The following is an entry in ClinVar:

NM_000122.2(ERCC3):c.1336A>G (p.Ile446Val)

Gene: ERCC3 (ERCC excision repair 3, TFIIH core complex helicase subunit; minus strand). Cytogenetic location: 2q14.3.
Variant type: single nucleotide variant.
Coding change: c.1336A>G on transcript NM_000122.2 (MANE Select); coding-DNA position 1336, A replaced by G.
Protein change: p.Ile446Val; replaces isoleucine 446 with valine.
Molecular consequence: missense variant.
Genome position (GRCh38, 1-based): chr2:127,286,709, T>C on the plus strand (A>G on the coding strand, the complement: ERCC3 is on the minus strand). VCF-style: chr2-127286709-T-C. GRCh37 (hg19) VCF-style: chr2-128044285-T-C.
Other names: c.1144A>G, p.Ile382Val (NM_001303416.2, NM_001303418.2); short protein forms I446V, I382V.
Identifiers: ClinVar variation 1367803 (VCV001367803.6), dbSNP rs776211616, ClinGen allele CA1858310.

ClinVar aggregate classification (germline): Uncertain significance (1 of 4 stars; one submission).

Allele frequency attached by ClinVar (database versions not stated): gnomAD exomes below 0.00001 and 0.00001; ExAC 0.00001; gnomAD 0.00001.
gnomAD v4.1: 3 of 1,613,650 alleles (0.00019%); highest among the groups gnomAD compares: Admixed American, 0.005%; no homozygotes.

Submission:

Labcorp Genetics (formerly Invitae), Labcorp
Classification: Uncertain significance. Last evaluated: 2021-11-20. Review status: criteria provided, single submitter. Criteria: Invitae Variant Classification Sherloc (09022015). Collection method: clinical testing. Allele origin: germline.
Comment: This variant is present in population databases (rs776211616, gnomAD 0.006%). In summary, the available evidence is currently insufficient to determine the role of this variant in disease. Therefore, it has been classified as a Variant of Uncertain Significance. Algorithms developed to predict the effect of missense changes on protein structure and function (SIFT, PolyPhen-2, Align-GVGD) all suggest that this variant is likely to be tolerated. This variant has not been reported in the literature in individuals affected with ERCC3-related conditions. This sequence change replaces isoleucine, which is neutral and non-polar, with valine, which is neutral and non-polar, at codon 446 of the ERCC3 protein (p.Ile446Val).